The following is an entry in ClinVar:

ClinVar aggregate classification (germline): Uncertain significance (1 of 4 stars; one submission).

gnomAD v4.1: 8 of 1,613,474 alleles (0.0005%); highest among the groups gnomAD compares: Non-Finnish European, 0.00068%; no homozygotes.

Submission:

Labcorp Genetics (formerly Invitae), Labcorp
Classification: Uncertain significance. Last evaluated: 2022-05-27. Review status: criteria provided, single submitter. Criteria: Invitae Variant Classification Sherloc (09022015). Collection method: clinical testing. Allele origin: germline.
Comment: In summary, the available evidence is currently insufficient to determine the role of this variant in disease. Therefore, it has been classified as a Variant of Uncertain Significance. Algorithms developed to predict the effect of missense changes on protein structure and function (SIFT, PolyPhen-2, Align-GVGD) all suggest that this variant is likely to be disruptive. This variant has not been reported in the literature in individuals affected with MERTK-related conditions. This variant is present in population databases (no rsID available, gnomAD 0.002%). This sequence change replaces proline, which is neutral and non-polar, with arginine, which is basic and polar, at codon 313 of the MERTK protein (p.Pro313Arg).

NM_006343.3(MERTK):c.938C>G (p.Pro313Arg)

Gene: MERTK (MER proto-oncogene, tyrosine kinase; plus strand). Cytogenetic location: 2q13.
Variant type: single nucleotide variant.
Coding change: c.938C>G on transcript NM_006343.3 (MANE Select); coding-DNA position 938, C replaced by G.
Protein change: p.Pro313Arg; replaces proline 313 with arginine.
Molecular consequence: missense variant.
Genome position (GRCh38, 1-based): chr2:111,968,230, C>G. VCF-style: chr2-111968230-C-G. GRCh37 (hg19) VCF-style: chr2-112725807-C-G.
Other names: short protein forms P313R.
Identifiers: ClinVar variation 1949616 (VCV001949616.4), dbSNP rs780578672, ClinGen allele CA348232359.
Genomic context (GRCh38, chr2:111,968,230, plus strand): 5'-GTAACAGCACTGCACACAGCATTCTGATCTCCTGGGTTCCTGGTTTTGATGGATACTCCC[C>G]GTTCAGGAATTGCAGCATTCAGGTAAAGTTCCAGGGTGAAGAGGGAAGTAGCTGTTTGGT-3'
Protein context (NP_006334.2, residues 303-323): SWVPGFDGYS[Pro313Arg]FRNCSIQVKE